The following is an entry in ClinVar:

NM_000037.4(ANK1):c.4259-2A>C

Gene: ANK1 (ankyrin 1; minus strand). Cytogenetic location: 8p11.21.
Variant type: single nucleotide variant.
Coding change: c.4259-2A>C on transcript NM_000037.4 (MANE Select); the canonical splice acceptor site of the intron before coding-DNA position 4259, A replaced by C.
Molecular consequence: splice acceptor variant.
Genome position (GRCh38, 1-based): chr8:41,686,285, T>G on the plus strand (A>C on the coding strand, the complement: ANK1 is on the minus strand). VCF-style: chr8-41686285-T-G. GRCh37 (hg19) VCF-style: chr8-41543803-T-G.
Other names: p.?; c.4382-2A>C (NM_001142446.2); c.4259-2A>C (NM_020477.3, NM_020475.3, NM_020476.3).
Identifiers: ClinVar variation 3379809 (VCV003379809.1).
Genomic context (GRCh38, chr8:41,686,285, plus strand): 5'-ATTTTCCACTCGGATCCTGTTGATGTCTTCCACACTGAACTGCAGCTCCCGGGCCAACTC[T>G]GCAAGCAAAGAACCAACAGCAGATGTGAGCCTCCAGCTCACCAACAGCAGGGGGCCTCCA-3'

ClinVar aggregate classification (germline): Uncertain significance (1 of 4 stars; one submission).

Submission:

Mayo Clinic Laboratories, Mayo Clinic
Classification: Uncertain significance. Last evaluated: 2023-08-30. Review status: criteria provided, single submitter. Criteria: ACMG Guidelines, 2015. Collection method: clinical testing. Allele origin: germline. Observed: 1 variant allele.
Comment: PM2_moderate, PVS1_moderate